The following is an entry in ClinVar:

ClinVar aggregate classification (germline): Uncertain significance (1 of 4 stars; one submission).

Submission:

Ambry Genetics
Classification: Uncertain significance. Last evaluated: 2025-06-13. Review status: criteria provided, single submitter. Criteria: Ambry Variant Classification Scheme 2023. Collection method: clinical testing. Allele origin: germline.
Comment: The p.F160V variant (also known as c.478T>G), located in coding exon 5 of the RAD51B gene, results from a T to G substitution at nucleotide position 478. The phenylalanine at codon 160 is replaced by valine, an amino acid with highly similar properties. This amino acid position is conserved. In addition, the in silico prediction for this alteration is inconclusive. Based on the available evidence, the clinical significance of this variant remains unclear.

NM_133510.4(RAD51B):c.478T>G (p.Phe160Val)

Gene: RAD51B (RAD51 paralog B; plus strand). Cytogenetic location: 14q24.1.
Variant type: single nucleotide variant.
Coding change: c.478T>G on transcript NM_133510.4 (MANE Select); coding-DNA position 478, T replaced by G.
Protein change: p.Phe160Val; replaces phenylalanine 160 with valine.
Molecular consequence: missense variant.
Genome position (GRCh38, 1-based): chr14:67,885,894, T>G. VCF-style: chr14-67885894-T-G. GRCh37 (hg19) VCF-style: chr14-68352611-T-G.
Other names: c.478T>G, p.Phe160Val (NM_001321809.2, NM_001321810.2, NM_001321812.1 and 6 more transcripts); c.364T>G, p.Phe122Val (NM_001321815.1); c.121T>G, p.Phe41Val (NM_001321817.2); short protein forms F160V, F41V, F122V.
Identifiers: ClinVar variation 3942343 (VCV003942343.1).